The following is an entry in ClinVar:

ClinVar aggregate classification (germline): Benign. Review status: criteria provided, multiple submitters, no conflicts (2 of 4 stars). 7 submissions from 4 submitters: Benign (7). Last evaluated 2024-07-15.

Conditions:
Fetal akinesia, respiratory insufficiency, microcephaly, polymicrogyria, and dysmorphic facies. Identifiers: MedGen C5562015, MONDO:0859204, OMIM 619602.
Developmental and epileptic encephalopathy 98. Identifiers: MedGen C5562017, MONDO:0030472, OMIM 619605.
Migraine, familial hemiplegic, 2. Identifiers: Orphanet 569, MedGen C1865322, MONDO:0011232, OMIM 602481.
Alternating hemiplegia of childhood 1 (AHC1). Identifiers: Orphanet 2131, MedGen C3549447, MONDO:0007087, OMIM 104290.

Allele frequency attached by ClinVar (database versions not stated): 1000 Genomes Project 0.09605; 1000 Genomes Project 30x 0.10197; TOPMed 0.12232; ESP Exome Variant Server 0.12671; ExAC 0.12958; gnomAD 0.13040 and 0.13234; gnomAD exomes 0.13063 and 0.13393.
gnomAD v4.1: 214,816 of 1,612,732 alleles (13%); highest among the groups gnomAD compares: Admixed American, 14%; 14,953 homozygotes.

Submissions (7):

Unidad de Genómica Garrahan, Hospital de Pediatría Garrahan
Classification: Benign. Last evaluated: 2024-07-15. Review status: criteria provided, single submitter. Criteria: ACMG Guidelines, 2015. Collection method: clinical testing. Allele origin: germline. Affected: no. Observed: 24 variant alleles.
Comment: This variant is classified as Benign based on local population frequency. This variant was detected in 26% of patients studied in a panel designed for Epileptic and Developmental Encephalopathy and Progressive Myoclonus Epilepsy. Number of patients: 24. Only high quality variants are reported.

Genome-Nilou Lab
Classification: Benign for Alternating hemiplegia of childhood 1. Last evaluated: 2021-12-05. Review status: criteria provided, single submitter. Criteria: ACMG Guidelines, 2015. Collection method: clinical testing. Allele origin: germline. Affected: no.

Genome-Nilou Lab
Classification: Benign for Developmental and epileptic encephalopathy 98. Last evaluated: 2021-12-05. Review status: criteria provided, single submitter. Criteria: ACMG Guidelines, 2015. Collection method: clinical testing. Allele origin: germline. Affected: no.

Genome-Nilou Lab
Classification: Benign for Fetal akinesia, respiratory insufficiency, microcephaly, polymicrogyria, and dysmorphic facies. Last evaluated: 2021-12-05. Review status: criteria provided, single submitter. Criteria: ACMG Guidelines, 2015. Collection method: clinical testing. Allele origin: germline. Affected: no.

Genome-Nilou Lab
Classification: Benign for Migraine, familial hemiplegic, 2. Last evaluated: 2021-12-05. Review status: criteria provided, single submitter. Criteria: ACMG Guidelines, 2015. Collection method: clinical testing. Allele origin: germline. Affected: no.

GeneDx
Classification: Benign. Last evaluated: 2018-06-26. Review status: criteria provided, single submitter. Criteria: GeneDx Variant Classification Process June 2021. Collection method: clinical testing. Allele origin: germline. Affected: yes.

Breakthrough Genomics
Classification: Benign. Review status: criteria provided, single submitter. Criteria: ACMG Guidelines, 2015. Collection method: not provided. Allele origin: germline. Inheritance: Autosomal recessive inheritance. Affected: yes.

NM_000702.4(ATP1A2):c.2943-27G>C

Gene: ATP1A2 (ATPase Na+/K+ transporting subunit alpha 2; plus strand). Cytogenetic location: 1q23.2.
Variant type: single nucleotide variant.
Coding change: c.2943-27G>C on transcript NM_000702.4 (MANE Select); 27 bases into the intron before coding-DNA position 2943, G replaced by C.
Molecular consequence: intron variant.
Genome position (GRCh38, 1-based): chr1:160,139,866, G>C. VCF-style: chr1-160139866-G-C. GRCh37 (hg19) VCF-style: chr1-160109656-G-C.
Identifiers: ClinVar variation 1178924 (VCV001178924.6), dbSNP rs17846718, ClinGen allele CA1194898.